The following is an entry in ClinVar:

NM_015726.4(DCAF8):c.110C>T (p.Ser37Leu)

Gene: DCAF8 (DDB1 and CUL4 associated factor 8; minus strand). Cytogenetic location: 1q23.2.
Variant type: single nucleotide variant.
Coding change: c.110C>T on transcript NM_015726.4 (MANE Select); coding-DNA position 110, C replaced by T.
Protein change: p.Ser37Leu; replaces serine 37 with leucine.
Molecular consequence: missense variant. On other transcripts: non-coding transcript variant (4).
Genome position (GRCh38, 1-based): chr1:160,240,310, G>A on the plus strand (C>T on the coding strand, the complement: DCAF8 is on the minus strand). VCF-style: chr1-160240310-G-A. GRCh37 (hg19) VCF-style: chr1-160210100-G-A.
Other names: short protein forms S37L.
Identifiers: ClinVar variation 3257342 (VCV003257342.17).
Genomic context (GRCh38, chr1:160,240,310, plus strand): 5'-GGGCCACCATCATCCCCAGTCAAGCTCAAACTCAGGTCTGAGGCCTCCACTTCAATGCCT[G>A]AGGATGTCTCCCTCCCCTCTTCAGCTCCAGACATCTCCTCTGGACTGCTAGACAGGCTTC-3'
Protein context (NP_056541.2, residues 27-47): SGAEEGRETS[Ser37Leu]GIEVEASDLS

ClinVar aggregate classification (germline): Uncertain significance (1 of 4 stars; one submission).

gnomAD v4.1: 1 of 1,613,946 alleles (0.000062%); highest among the groups gnomAD compares: South Asian, 0.0011%; no homozygotes.

Submission:

CeGaT Center for Human Genetics Tuebingen
Classification: Uncertain significance. Last evaluated: 2024-07-01. Review status: criteria provided, single submitter. Criteria: CeGaT Center For Human Genetics Tuebingen Variant Classification Criteria Version 2. Collection method: clinical testing. Allele origin: germline. Affected: yes. Observed: 1 variant allele.
Comment: DCAF8: PM2